The following is an entry in ClinVar:

NM_000179.3(MSH6):c.1251G>C (p.Lys417Asn)

Gene: MSH6 (mutS homolog 6; plus strand). Cytogenetic location: 2p16.3.
Variant type: single nucleotide variant.
Coding change: c.1251G>C on transcript NM_000179.3 (MANE Select); coding-DNA position 1251, G replaced by C.
Protein change: p.Lys417Asn; replaces lysine 417 with asparagine.
Molecular consequence: missense variant.
Genome position (GRCh38, 1-based): chr2:47,799,234, G>C. VCF-style: chr2-47799234-G-C. GRCh37 (hg19) VCF-style: chr2-48026373-G-C.
Other names: c.861G>C, p.Lys287Asn (NM_001281492.2); c.345G>C, p.Lys115Asn (NM_001281493.2, NM_001281494.2); short protein forms K115N, K417N, K287N.
Identifiers: ClinVar variation 835307 (VCV000835307.10), dbSNP rs1669312251, ClinGen allele CA346743838.

ClinVar aggregate classification (germline): Uncertain significance. Review status: criteria provided, multiple submitters, no conflicts (2 of 4 stars). 2 submissions from 2 submitters: Uncertain significance (2). Last evaluated 2023-12-28.

Conditions:
Hereditary nonpolyposis colorectal neoplasms. Identifiers: MedGen C0009405, MeSH D003123.
Hereditary cancer-predisposing syndrome. Also called: Hereditary neoplastic syndrome; Neoplastic Syndromes, Hereditary; Tumor predisposition; Hereditary Cancer Syndrome. Identifiers: Orphanet 140162, MedGen C0027672, MeSH D009386, MONDO:0015356.

Submissions (2):

Labcorp Genetics (formerly Invitae), Labcorp
Classification: Uncertain significance for Hereditary nonpolyposis colorectal neoplasms. Last evaluated: 2023-12-28. Review status: criteria provided, single submitter. Criteria: Invitae Variant Classification Sherloc (09022015). Collection method: clinical testing. Allele origin: germline.
Comment: This sequence change replaces lysine, which is basic and polar, with asparagine, which is neutral and polar, at codon 417 of the MSH6 protein (p.Lys417Asn). This variant is not present in population databases (gnomAD no frequency). This variant has not been reported in the literature in individuals affected with MSH6-related conditions. ClinVar contains an entry for this variant (Variation ID: 835307). Advanced modeling of protein sequence and biophysical properties (such as structural, functional, and spatial information, amino acid conservation, physicochemical variation, residue mobility, and thermodynamic stability) performed at Invitae indicates that this missense variant is expected to disrupt MSH6 protein function with a positive predictive value of 95%. In summary, the available evidence is currently insufficient to determine the role of this variant in disease. Therefore, it has been classified as a Variant of Uncertain Significance.

Ambry Genetics
Classification: Uncertain significance for Hereditary cancer-predisposing syndrome. Last evaluated: 2023-10-20. Review status: criteria provided, single submitter. Criteria: Ambry Variant Classification Scheme 2023. Collection method: clinical testing. Allele origin: germline.
Comment: The p.K417N variant (also known as c.1251G>C), located in coding exon 4 of the MSH6 gene, results from a G to C substitution at nucleotide position 1251. The lysine at codon 417 is replaced by asparagine, an amino acid with similar properties. This amino acid position is highly conserved in available vertebrate species. In addition, this alteration is predicted to be deleterious by in silico analysis. Since supporting evidence is limited at this time, the clinical significance of this alteration remains unclear.